The following is an entry in ClinVar:

NM_139318.5(KCNH5):c.2866C>A (p.Gln956Lys)

Gene: KCNH5 (potassium voltage-gated channel subfamily H member 5; minus strand). Cytogenetic location: 14q23.2.
Variant type: single nucleotide variant.
Coding change: c.2866C>A on transcript NM_139318.5 (MANE Select); coding-DNA position 2866, C replaced by A.
Protein change: p.Gln956Lys; replaces glutamine 956 with lysine.
Molecular consequence: missense variant. On other transcripts: 3 prime UTR variant (1).
Genome position (GRCh38, 1-based): chr14:62,707,609, G>T on the plus strand (C>A on the coding strand, the complement: KCNH5 is on the minus strand). VCF-style: chr14-62707609-G-T. GRCh37 (hg19) VCF-style: chr14-63174327-G-T.
Other names: c.*833C>A (NM_172375.3); c.2866C>A (NM_139318.3); short protein forms Q956K.
Identifiers: ClinVar variation 2057139 (VCV002057139.5), dbSNP rs984614454, ClinGen allele CA262376526.

ClinVar aggregate classification (germline): Uncertain significance. Review status: criteria provided, multiple submitters, no conflicts (2 of 4 stars). 2 submissions from 2 submitters: Uncertain significance (2). Last evaluated 2025-04-21.

Conditions:
Early-infantile DEE. Also called: Early infantile epileptic encephalopathy with suppression bursts; Early infantile epileptic encephalopathy; Ohtahara syndrome. Identifiers: Orphanet 1934, MedGen C0393706, MONDO:0800491.
Inborn genetic diseases. Identifiers: MedGen C0950123, MeSH D030342.

Allele frequency attached by ClinVar (database versions not stated): gnomAD 0.00001; gnomAD exomes 0.00001; TOPMed 0.00001.
gnomAD v4.1: 8 of 1,544,674 alleles (0.00052%); highest among the groups gnomAD compares: Non-Finnish European, 0.0007%; no homozygotes.

Submissions (2):

Labcorp Genetics (formerly Invitae), Labcorp
Classification: Uncertain significance for Early-infantile DEE. Last evaluated: 2025-04-21. Review status: criteria provided, single submitter. Criteria: Invitae Variant Classification Sherloc (09022015). Collection method: clinical testing. Allele origin: germline.
Comment: This sequence change replaces glutamine, which is neutral and polar, with lysine, which is basic and polar, at codon 956 of the KCNH5 protein (p.Gln956Lys). This variant is present in population databases (no rsID available, gnomAD 0.001%). This variant has not been reported in the literature in individuals affected with KCNH5-related conditions. ClinVar contains an entry for this variant (Variation ID: 2057139). Invitae Evidence Modeling of protein sequence and biophysical properties (such as structural, functional, and spatial information, amino acid conservation, physicochemical variation, residue mobility, and thermodynamic stability) indicates that this missense variant is not expected to disrupt KCNH5 protein function with a negative predictive value of 95%. In summary, the available evidence is currently insufficient to determine the role of this variant in disease. Therefore, it has been classified as a Variant of Uncertain Significance.

Ambry Genetics
Classification: Uncertain significance for Inborn genetic diseases. Last evaluated: 2024-10-16. Review status: criteria provided, single submitter. Criteria: Ambry Variant Classification Scheme 2023. Collection method: clinical testing. Allele origin: germline.